The following is an entry in ClinVar:

ClinVar aggregate classification (germline): Uncertain significance (1 of 4 stars; one submission).

Conditions:
Inborn genetic diseases. Identifiers: MedGen C0950123, MeSH D030342.

gnomAD v4.1: 2 of 1,614,026 alleles (0.00012%); highest among the groups gnomAD compares: Non-Finnish European, 0.00017%; no homozygotes.

Submission:

Ambry Genetics
Classification: Uncertain significance for Inborn genetic diseases. Last evaluated: 2025-06-23. Review status: criteria provided, single submitter. Criteria: Ambry Variant Classification Scheme 2023. Collection method: clinical testing. Allele origin: germline.
Comment: The p.G122R variant (also known as c.364G>A), located in coding exon 4 of the FANCA gene, results from a G to A substitution at nucleotide position 364. The glycine at codon 122 is replaced by arginine, an amino acid with dissimilar properties. This amino acid position is conserved. In addition, this alteration is predicted to be tolerated by in silico analysis. Based on the available evidence, the clinical significance of this variant remains unclear.

NM_000135.4(FANCA):c.364G>A (p.Gly122Arg)

Gene: FANCA (FA complementation group A; minus strand). Cytogenetic location: 16q24.3.
Variant type: single nucleotide variant.
Coding change: c.364G>A on transcript NM_000135.4 (MANE Select); coding-DNA position 364, G replaced by A.
Protein change: p.Gly122Arg; replaces glycine 122 with arginine.
Molecular consequence: missense variant.
Genome position (GRCh38, 1-based): chr16:89,810,991, C>T on the plus strand (G>A on the coding strand, the complement: FANCA is on the minus strand). VCF-style: chr16-89810991-C-T. GRCh37 (hg19) VCF-style: chr16-89877399-C-T.
Other names: c.364G>A, p.Gly122Arg (NM_001018112.3, NM_001286167.3, NM_001351830.2); short protein forms G122R.
Identifiers: ClinVar variation 4254149 (VCV004254149.1).
Genomic context (GRCh38, chr16:89,810,991, plus strand): 5'-TCTGCTCCACAGTCAGCAGCACAGGGTGACTGGTCTCCGCTGGAGCCGTGCAGATCTGTC[C>T]CACGCTAGAGGCAACCATCCCGGCTGAGAGAATACCCACGGGAACCCCCAGCCTTGAGGC-3'
Protein context (NP_000126.2, residues 112-132): LSAGMVASSV[Gly122Arg]QICTAPAETS